The following is an entry in ClinVar:

ClinVar aggregate classification (germline): Uncertain significance (1 of 4 stars; one submission).

Allele frequency attached by ClinVar (database versions not stated): gnomAD exomes below 0.00001.

Submission:

Labcorp Genetics (formerly Invitae), Labcorp
Classification: Uncertain significance. Last evaluated: 2023-03-14. Review status: criteria provided, single submitter. Criteria: Invitae Variant Classification Sherloc (09022015). Collection method: clinical testing. Allele origin: germline.
Comment: In summary, the available evidence is currently insufficient to determine the role of this variant in disease. Therefore, it has been classified as a Variant of Uncertain Significance. Advanced modeling of protein sequence and biophysical properties (such as structural, functional, and spatial information, amino acid conservation, physicochemical variation, residue mobility, and thermodynamic stability) performed at Invitae indicates that this missense variant is not expected to disrupt ATPAF2 protein function. This variant has not been reported in the literature in individuals affected with ATPAF2-related conditions. This variant is not present in population databases (gnomAD no frequency). This sequence change replaces methionine, which is neutral and non-polar, with isoleucine, which is neutral and non-polar, at codon 180 of the ATPAF2 protein (p.Met180Ile).

NM_145691.4(ATPAF2):c.540G>A (p.Met180Ile)

Gene: ATPAF2 (ATP synthase mitochondrial F1 complex assembly factor 2; minus strand). Cytogenetic location: 17p11.2.
Variant type: single nucleotide variant.
Coding change: c.540G>A on transcript NM_145691.4 (MANE Select); coding-DNA position 540, G replaced by A.
Protein change: p.Met180Ile; replaces methionine 180 with isoleucine.
Molecular consequence: missense variant.
Genome position (GRCh38, 1-based): chr17:18,021,821, C>T on the plus strand (G>A on the coding strand, the complement: ATPAF2 is on the minus strand). VCF-style: chr17-18021821-C-T. GRCh37 (hg19) VCF-style: chr17-17925135-C-T.
Other names: short protein forms M180I.
Identifiers: ClinVar variation 2869172 (VCV002869172.3), dbSNP rs2545074063, ClinGen allele CA398575452.